The following is an entry in ClinVar:

NM_000037.4(ANK1):c.2447T>A (p.Val816Asp)

Gene: ANK1 (ankyrin 1; minus strand). Cytogenetic location: 8p11.21.
Variant type: single nucleotide variant.
Coding change: c.2447T>A on transcript NM_000037.4 (MANE Select); coding-DNA position 2447, T replaced by A.
Protein change: p.Val816Asp; replaces valine 816 with aspartic acid.
Molecular consequence: missense variant.
Genome position (GRCh38, 1-based): chr8:41,701,564, A>T on the plus strand (T>A on the coding strand, the complement: ANK1 is on the minus strand). VCF-style: chr8-41701564-A-T. GRCh37 (hg19) VCF-style: chr8-41559082-A-T.
Other names: c.2546T>A, p.Val849Asp (NM_001142446.2); c.2447T>A, p.Val816Asp (NM_020475.3, NM_020476.3, NM_020477.3); short protein forms V816D, V849D.
Identifiers: ClinVar variation 2584854 (VCV002584854.1), dbSNP rs2486817670, ClinGen allele CA371064866.

ClinVar aggregate classification (germline): Uncertain significance (1 of 4 stars; one submission).

Conditions:
Hereditary spherocytosis type 1. Also called: Spherocytosis type 1; ANK1-Related Spherocytosis. Identifiers: Orphanet 822, MedGen C2674218, MONDO:0008447, OMIM 182900.

Submission:

Neuberg Centre For Genomic Medicine, NCGM
Classification: Uncertain significance for Hereditary spherocytosis type 1. Review status: criteria provided, single submitter. Criteria: ACMG Guidelines, 2015. Collection method: clinical testing. Allele origin: germline. Inheritance: Autosomal dominant inheritance. Affected: yes.
Comment: The missense variant c.2447T>A (p.Val816Asp) in ANK1 gene has not been reported previously as a pathogenic variant nor as a benign variant, to our knowledge. The p.Val816Asp variant is novel (not in any individuals) in gnomAD Exomes and 1000 Genomes. The amino acid Val at position 816 is changed to a Asp changing protein sequence and it might alter its composition and physico-chemical properties. The amino acid change p.Val816Asp in ANK1 is predicted as conserved by GERP++ and PhyloP across 100 vertebrates. For these reasons, this variant has been classified as Uncertain Significance.